The following is an entry in ClinVar:

ClinVar aggregate classification (germline): Uncertain significance. Review status: criteria provided, multiple submitters, no conflicts (2 of 4 stars). 2 submissions from 2 submitters: Uncertain significance (2). Last evaluated 2025-02-05.

Conditions:
Inborn genetic diseases. Identifiers: MedGen C0950123, MeSH D030342.

gnomAD v4.1: 1 of 1,613,402 alleles (0.000062%); highest among the groups gnomAD compares: Admixed American, 0.0017%; no homozygotes.

Submissions (2):

Ambry Genetics
Classification: Uncertain significance for Inborn genetic diseases. Last evaluated: 2025-02-05. Review status: criteria provided, single submitter. Criteria: Ambry Variant Classification Scheme 2023. Collection method: clinical testing. Allele origin: germline.

GeneDx
Classification: Uncertain significance. Last evaluated: 2024-02-28. Review status: criteria provided, single submitter. Criteria: GeneDx Variant Classification Process June 2021. Collection method: clinical testing. Allele origin: germline. Affected: yes.
Comment: Not observed at significant frequency in large population cohorts (gnomAD); In silico analysis supports that this missense variant has a deleterious effect on protein structure/function; Has not been previously published as pathogenic or benign to our knowledge

NM_020680.4(SCYL1):c.737C>G (p.Ala246Gly)

Gene: SCYL1 (SCY1 like pseudokinase 1; plus strand). Cytogenetic location: 11q13.1.
Variant type: single nucleotide variant.
Coding change: c.737C>G on transcript NM_020680.4 (MANE Select); coding-DNA position 737, C replaced by G.
Protein change: p.Ala246Gly; replaces alanine 246 with glycine.
Molecular consequence: missense variant. On other transcripts: intron variant (1).
Genome position (GRCh38, 1-based): chr11:65,527,005, C>G. VCF-style: chr11-65527005-C-G. GRCh37 (hg19) VCF-style: chr11-65294476-C-G.
Other names: c.737C>G, p.Ala246Gly (NM_001048218.2, NM_001411022.1, NM_001425179.1 and 18 more transcripts); c.734C>G, p.Ala245Gly (NM_001425180.1, NM_001425183.1); c.482C>G, p.Ala161Gly (NM_001425199.1); c.473C>G, p.Ala158Gly (NM_001425200.1); c.308C>G, p.Ala103Gly (NM_001425203.1, NM_001425204.1, NM_001425205.1 and 2 more transcripts); c.125C>G, p.Ala42Gly (NM_001425208.1, NM_001425209.1, NM_001425210.1 and 1 more transcripts); c.694-41C>G (NM_001425189.1); short protein forms A103G, A158G, A161G, A245G, A246G, A42G.
Identifiers: ClinVar variation 3369649 (VCV003369649.2).